The following is an entry in ClinVar:

NC_000001.10:g.(?_46654942)_(46656476_?)dup

Gene: POMGNT1 (protein O-linked mannose N-acetylglucosaminyltransferase 1 (beta 1,2-); minus strand). Cytogenetic location: 1p34.1.
Variant type: Duplication.
Identifiers: ClinVar variation 1412078 (VCV001412078.6).

ClinVar aggregate classification (germline): Uncertain significance (1 of 4 stars; one submission).

Conditions:
Autosomal recessive limb-girdle muscular dystrophy type 2O. Also called: Limb-Girdle Muscular Dystrophy Type 3C; MUSCULAR DYSTROPHY-DYSTROGLYCANOPATHY (LIMB-GIRDLE), TYPE C, 3; MUSCULAR DYSTROPHY-DYSTROGLYCANOPATHY, LIMB-GIRDLE, POMGNT1-RELATED. Identifiers: Orphanet 206564, MedGen C3150417, MONDO:0013161, OMIM 613157.
Muscular dystrophy-dystroglycanopathy (congenital with impaired intellectual development), type B, 3. Also called: MUSCULAR DYSTROPHY, CONGENITAL, POMGNT1-RELATED; Muscular dystrophy-dystroglycanopathy (congenital with intellectual disability), type B3. Identifiers: MedGen C3150412, MONDO:0013155, OMIM 613151.

Submission:

Labcorp Genetics (formerly Invitae), Labcorp
Classification: Uncertain significance for Autosomal recessive limb-girdle muscular dystrophy type 2O; Muscular dystrophy-dystroglycanopathy (congenital with impaired intellectual development), type B, 3. Last evaluated: 2022-08-01. Review status: criteria provided, single submitter. Criteria: Invitae Variant Classification Sherloc (09022015). Collection method: clinical testing. Allele origin: germline.
Comment: This variant results in a copy number gain of the genomic region encompassing exon(s) 18-22 of the POMGNT1 gene. This region includes the termination codon of the gene. This copy number gain extends beyond the assayed region for this gene and therefore may encompass additional genes. As the precise location of this event is unknown, it may be in tandem or it may be located elsewhere in the genome. This variant has not been reported in the literature in individuals affected with POMGNT1-related conditions. Experimental studies and prediction algorithms are not available or were not evaluated, and the functional significance of this variant is currently unknown. In summary, the available evidence is currently insufficient to determine the role of this variant in disease. Therefore, it has been classified as a Variant of Uncertain Significance.